The following is an entry in ClinVar:

NM_182977.3(NNT):c.2561A>G (p.Asn854Ser)

Gene: NNT (nicotinamide nucleotide transhydrogenase; plus strand). Cytogenetic location: 5p12.
Variant type: single nucleotide variant.
Coding change: c.2561A>G on transcript NM_182977.3 (MANE Select); coding-DNA position 2561, A replaced by G.
Protein change: p.Asn854Ser; replaces asparagine 854 with serine.
Molecular consequence: missense variant.
Genome position (GRCh38, 1-based): chr5:43,659,277, A>G. VCF-style: chr5-43659277-A-G. GRCh37 (hg19) VCF-style: chr5-43659379-A-G.
Other names: c.2168A>G, p.Asn723Ser (NM_001331026.2); c.2561A>G, p.Asn854Ser (NM_012343.4); short protein forms N723S, N854S.
Identifiers: ClinVar variation 1347738 (VCV001347738.3), dbSNP rs1231439329, ClinGen allele CA359667395.

ClinVar aggregate classification (germline): Uncertain significance (1 of 4 stars; one submission).

Allele frequency attached by ClinVar (database versions not stated): gnomAD exomes below 0.00001.
gnomAD v4.1: 3 of 1,614,066 alleles (0.00019%); highest among the groups gnomAD compares: Admixed American, 0.0017%; no homozygotes.

Submission:

Labcorp Genetics (formerly Invitae), Labcorp
Classification: Uncertain significance. Last evaluated: 2022-09-12. Review status: criteria provided, single submitter. Criteria: Invitae Variant Classification Sherloc (09022015). Collection method: clinical testing. Allele origin: germline.
Comment: This sequence change replaces asparagine, which is neutral and polar, with serine, which is neutral and polar, at codon 854 of the NNT protein (p.Asn854Ser). This variant is present in population databases (no rsID available, gnomAD 0.003%). This variant has not been reported in the literature in individuals affected with NNT-related conditions. ClinVar contains an entry for this variant (Variation ID: 1347738). Algorithms developed to predict the effect of missense changes on protein structure and function are either unavailable or do not agree on the potential impact of this missense change (SIFT: "Deleterious"; PolyPhen-2: "Benign"; Align-GVGD: "Class C15"). In summary, the available evidence is currently insufficient to determine the role of this variant in disease. Therefore, it has been classified as a Variant of Uncertain Significance.